The following is an entry in ClinVar:

NM_001378454.1(ALMS1):c.3967A>G (p.Lys1323Glu)

Gene: ALMS1 (ALMS1 centrosome and basal body associated protein; plus strand). Cytogenetic location: 2p13.1.
Variant type: single nucleotide variant.
Coding change: c.3967A>G on transcript NM_001378454.1 (MANE Select); coding-DNA position 3967, A replaced by G.
Protein change: p.Lys1323Glu; replaces lysine 1323 with glutamic acid.
Molecular consequence: missense variant.
Genome position (GRCh38, 1-based): chr2:73,450,494, A>G. VCF-style: chr2-73450494-A-G. GRCh37 (hg19) VCF-style: chr2-73677621-A-G.
Other names: c.3970A>G, p.Lys1324Glu (NM_015120.4); short protein forms K1324E, K1323E.
Identifiers: ClinVar variation 2140747 (VCV002140747.2), dbSNP rs1186642479, ClinGen allele CA347277180.

ClinVar aggregate classification (germline): Conflicting classifications of pathogenicity. Review status: criteria provided, conflicting classifications (1 of 4 stars). 2 submissions from 2 submitters: Uncertain significance (1); Likely benign (1). Last evaluated 2025-10-08.

Conditions:
Cardiovascular phenotype. Identifiers: MedGen CN230736.
Alstrom syndrome (ALMS). Identifiers: Orphanet 64, MedGen C0268425, MONDO:0008763, OMIM 203800.

Allele frequency attached by ClinVar (database versions not stated): gnomAD 0.00001; TOPMed 0.00001.
gnomAD v4.1: 2 of 1,613,076 alleles (0.00012%); highest among the groups gnomAD compares: African/African-American, 0.0013%; no homozygotes.

Submissions (2):

Ambry Genetics
Classification: Likely benign for Cardiovascular phenotype. Last evaluated: 2025-10-08. Review status: criteria provided, single submitter. Criteria: Ambry Variant Classification Scheme 2023. Collection method: clinical testing. Allele origin: germline.

Labcorp Genetics (formerly Invitae), Labcorp
Classification: Uncertain significance for Alstrom syndrome. Last evaluated: 2022-01-15. Review status: criteria provided, single submitter. Criteria: Invitae Variant Classification Sherloc (09022015). Collection method: clinical testing. Allele origin: germline.
Comment: This sequence change replaces lysine, which is basic and polar, with glutamic acid, which is acidic and polar, at codon 1324 of the ALMS1 protein (p.Lys1324Glu). This variant is not present in population databases (gnomAD no frequency). This variant has not been reported in the literature in individuals affected with ALMS1-related conditions. Experimental studies and prediction algorithms are not available or were not evaluated, and the functional significance of this variant is currently unknown. In summary, the available evidence is currently insufficient to determine the role of this variant in disease. Therefore, it has been classified as a Variant of Uncertain Significance.